The following is an entry in ClinVar:

ClinVar aggregate classification (germline): Uncertain significance. Review status: criteria provided, single submitter (1 of 4 stars). 2 submissions from 2 submitters: Uncertain significance (1). 1 of the submissions does not count toward it. Last evaluated 2024-04-29.

Conditions:
GSN-related disorder. Also called: GSN-related condition.

gnomAD v4.1: 2 of 1,613,786 alleles (0.00012%); highest among the groups gnomAD compares: South Asian, 0.0022%; no homozygotes.

Submissions (2):

Labcorp Genetics (formerly Invitae), Labcorp
Classification: Uncertain significance. Last evaluated: 2024-04-29. Review status: criteria provided, single submitter. Criteria: Invitae Variant Classification Sherloc (09022015). Collection method: clinical testing. Allele origin: germline.
Comment: This sequence change replaces arginine, which is basic and polar, with glutamine, which is neutral and polar, at codon 656 of the GSN protein (p.Arg656Gln). This variant is not present in population databases (gnomAD no frequency). This variant has not been reported in the literature in individuals affected with GSN-related conditions. ClinVar contains an entry for this variant (Variation ID: 1437378). Advanced modeling of protein sequence and biophysical properties (such as structural, functional, and spatial information, amino acid conservation, physicochemical variation, residue mobility, and thermodynamic stability) has been performed at Invitae for this missense variant, however the output from this modeling did not meet the statistical confidence thresholds required to predict the impact of this variant on GSN protein function. In summary, the available evidence is currently insufficient to determine the role of this variant in disease. Therefore, it has been classified as a Variant of Uncertain Significance.

PreventionGenetics, part of Exact Sciences
Classification: Uncertain significance for GSN-related condition. Last evaluated: 2024-04-17. Review status: no assertion criteria provided. Collection method: clinical testing. Allele origin: germline. Not counted in ClinVar's aggregate classification.
Comment: The GSN c.1967G>A variant is predicted to result in the amino acid substitution p.Arg656Gln. To our knowledge, this variant has not been reported in the literature or in a large population database, indicating this variant is rare. At this time, the clinical significance of this variant is uncertain due to the absence of conclusive functional and genetic evidence.

NM_198252.3(GSN):c.1814G>A (p.Arg605Gln)

Gene: GSN (gelsolin; plus strand). Cytogenetic location: 9q33.2.
Variant type: single nucleotide variant.
Coding change: c.1814G>A on transcript NM_198252.3 (MANE Select); coding-DNA position 1814, G replaced by A.
Protein change: p.Arg605Gln; replaces arginine 605 with glutamine.
Molecular consequence: missense variant.
Genome position (GRCh38, 1-based): chr9:121,328,942, G>A. VCF-style: chr9-121328942-G-A. GRCh37 (hg19) VCF-style: chr9-124091220-G-A.
Other names: c.1967G>A, p.Arg656Gln (NM_000177.5); c.1814G>A, p.Arg605Gln (NM_001127662.2, NM_001127664.2, NM_001127665.2 and 10 more transcripts); c.1922G>A, p.Arg641Gln (NM_001127663.2); c.1847G>A, p.Arg616Gln (NM_001127666.2, NM_001127667.2, NM_001353065.2 and 13 more transcripts); c.1865G>A, p.Arg622Gln (NM_001258029.2); c.1838G>A, p.Arg613Gln (NM_001258030.2); c.1967G>A (NM_000177.4); c.1886G>A, p.Arg629Gln (NM_001353076.2); and 1 more; short protein forms R613Q, R616Q, R622Q, R629Q, R387Q, R641Q, R605Q, R656Q.
Identifiers: ClinVar variation 1437378 (VCV001437378.7), dbSNP rs200319453, ClinGen allele CA199415187.
Genomic context (GRCh38, chr9:121,328,942, plus strand): 5'-CCCTCACAGATGGCTTCTGGGAGGCCCTGGGCGGGAAGGCTGCCTACCGCACATCCCCAC[G>A]GCTGAAGGACAAGAAGATGGATGCCCATCCTCCTCGCCTCTTTGCCTGCTCCAACAAGAT-3'
Protein context (NP_937895.1, residues 595-615): GGKAAYRTSP[Arg605Gln]LKDKKMDAHP